The following is an entry in ClinVar:

ClinVar aggregate classification (germline): Benign/Likely benign. Review status: criteria provided, multiple submitters, no conflicts (2 of 4 stars). 12 submissions from 12 submitters: Benign (10); Likely benign (1). 1 of the submissions does not count toward it. Last evaluated 2026-02-04.

Conditions:
Nemaline myopathy 2 (NEM2). Also called: Nemaline myopathy 2, autosomal recessive. Identifiers: MedGen C1850569, MONDO:0009725, OMIM 256030.

Allele frequency attached by ClinVar (database versions not stated): 1000 Genomes Project 30x 0.01093; gnomAD 0.01118 and 0.01275; 1000 Genomes Project 0.01138; TOPMed 0.01160; ESP Exome Variant Server 0.01436.

Submissions (12):

Labcorp Genetics (formerly Invitae), Labcorp
Classification: Benign for Nemaline myopathy 2. Last evaluated: 2026-02-04. Review status: criteria provided, single submitter. Criteria: Invitae Variant Classification Sherloc (09022015). Collection method: clinical testing. Allele origin: germline.

Blueprint Genetics
Classification: Likely benign. Last evaluated: 2024-11-26. Review status: criteria provided, single submitter. Criteria: ACMG Guidelines, 2015. Collection method: clinical testing. Allele origin: germline.

Women's Health and Genetics/Laboratory Corporation of America, LabCorp
Classification: Benign. Last evaluated: 2019-04-01. Review status: criteria provided, single submitter. Criteria: LabCorp Variant Classification Summary - May 2015. Collection method: clinical testing. Allele origin: germline.
Comment: Variant summary: NEB c.3147+5G>A alters a non-conserved nucleotide located close to a canonical splice site and therefore could affect mRNA splicing, leading to a significantly altered protein sequence. Several computational tools predict a significant impact on normal splicing: Two predict the variant abolishes and two predict the variant weakens the 5' splicing donor site. However, these predictions have yet to be confirmed by functional studies. The variant allele was found at a frequency of 0.016 in 120684 control chromosomes in the ExAC database, including 17 homozygotes. The observed variant frequency is approximately 4 fold of the estimated maximal expected allele frequency for a pathogenic variant in NEB causing Nemaline Myopathy 2 phenotype (0.0035), strongly suggesting that the variant is benign. To our knowledge, no occurrence of c.3147+5G>A in individuals affected with Nemaline Myopathy 2 and no experimental evidence demonstrating its impact on protein function have been reported. Four clinical diagnostic laboratories have submitted clinical-significance assessments for this variant to ClinVar after 2014 without evidence for independent evaluation. All laboratories classified the variant as benign. Based on the evidence outlined above, the variant was classified as benign.

Illumina Laboratory Services, Illumina
Classification: Benign for Nemaline myopathy 2. Last evaluated: 2018-01-12. Review status: criteria provided, single submitter. Criteria: ICSL Variant Classification Criteria 13 December 2019. Collection method: clinical testing. Allele origin: germline.
Comment: This variant was observed in the ICSL laboratory as part of a predisposition screen in an ostensibly healthy population. It had not been previously curated by ICSL or reported in the Human Gene Mutation Database (HGMD: prior to June 1st, 2018), and was therefore a candidate for classification through an automated scoring system. Utilizing variant allele frequency, disease prevalence and penetrance estimates, and inheritance mode, an automated score was calculated to assess if this variant is too frequent to cause the disease. Based on the score and internal cut-off values, a variant classified as benign is not then subjected to further curation. The score for this variant resulted in a classification of benign for this disease.

Mayo Clinic Laboratories, Mayo Clinic
Classification: Benign. Last evaluated: 2017-12-01. Review status: criteria provided, single submitter. Criteria: ACMG Guidelines, 2015. Collection method: clinical testing. Allele origin: germline. Observed: 29 variant alleles.

Athena Diagnostics
Classification: Benign. Last evaluated: 2016-10-20. Review status: criteria provided, single submitter. Criteria: Athena Diagnostics Criteria. Collection method: clinical testing. Allele origin: germline.

GeneDx
Classification: Benign. Last evaluated: 2016-03-12. Review status: criteria provided, single submitter. Criteria: GeneDx Variant Classification (06012015). Collection method: clinical testing. Allele origin: germline. Affected: yes.
Comment: This variant is considered likely benign or benign based on one or more of the following criteria: it is a conservative change, it occurs at a poorly conserved position in the protein, it is predicted to be benign by multiple in silico algorithms, and/or has population frequency not consistent with disease.

Laboratory for Molecular Medicine, Mass General Brigham Personalized Medicine
Classification: Benign. Last evaluated: 2015-01-13. Review status: criteria provided, single submitter. Criteria: LMM Criteria. Collection method: clinical testing. Allele origin: germline. Observed: 2 variant alleles.
Comment: c.3147+5G>A in intron 31 of NEB: This variant is not expected to have clinical s ignificance because it has been identified in 1.9% (160/8370) of European Americ an chromosomes from a broad population by the NHLBI Exome Sequencing Project (dbSNP rs74859201).

Genetic Services Laboratory, University of Chicago
Classification: Benign for AllHighlyPenetrant. Last evaluated: 2013-08-15. Review status: criteria provided, single submitter. Criteria: ACMG Guidelines, 2007. Collection method: clinical testing. Allele origin: germline. Inheritance: Autosomal recessive inheritance.

Breakthrough Genomics
Classification: Benign. Review status: criteria provided, single submitter. Criteria: ACMG Guidelines, 2015. Collection method: not provided. Allele origin: germline. Inheritance: Autosomal recessive inheritance. Affected: yes.

PreventionGenetics, part of Exact Sciences
Classification: Benign. Review status: criteria provided, single submitter. Criteria: ACMG Guidelines, 2015. Collection method: clinical testing. Allele origin: germline.

Natera, Inc.
Classification: Likely benign for Nemaline myopathy type 2. Last evaluated: 2019-11-28. Review status: no assertion criteria provided. Collection method: clinical testing. Allele origin: germline. Not counted in ClinVar's aggregate classification.

NM_001164508.2(NEB):c.3147+5G>A

Gene: NEB (nebulin; minus strand). Cytogenetic location: 2q23.3.
Variant type: single nucleotide variant.
Coding change: c.3147+5G>A on transcript NM_001164508.2 (MANE Select); 5 bases into the intron after coding-DNA position 3147, G replaced by A.
Molecular consequence: intron variant.
Genome position (GRCh38, 1-based): chr2:151,679,913, C>T on the plus strand (G>A on the coding strand, the complement: NEB is on the minus strand). VCF-style: chr2-151679913-C-T. GRCh37 (hg19) VCF-style: chr2-152536427-C-T.
Other names: c.3147+5G>A (NM_004543.5, NM_001164507.2, NM_001271208.2).
Identifiers: ClinVar variation 129739 (VCV000129739.30), dbSNP rs74859201, ClinGen allele CA153981.